The following is an entry in ClinVar:

NM_019593.5(GPCPD1):c.285A>G (p.Gln95=)

Gene: GPCPD1 (glycerophosphocholine phosphodiesterase 1; minus strand). Cytogenetic location: 20p12.3.
Variant type: single nucleotide variant.
Coding change: c.285A>G on transcript NM_019593.5 (MANE Select); coding-DNA position 285, A replaced by G.
Protein change: p.Gln95=; no amino-acid change (glutamine 95 retained).
Molecular consequence: synonymous variant.
Genome position (GRCh38, 1-based): chr20:5,586,216, T>C on the plus strand (A>G on the coding strand, the complement: GPCPD1 is on the minus strand). VCF-style: chr20-5586216-T-C. GRCh37 (hg19) VCF-style: chr20-5566862-T-C.
Identifiers: ClinVar variation 2652196 (VCV002652196.24), dbSNP rs766466152, ClinGen allele CA9755084.
Genomic context (GRCh38, chr20:5,586,216, plus strand): 5'-ATGCATATGCCTCAAACAGATGCAGTTAATGCCCATACCTAAAGGGGTTATTGATCGTGG[T>C]TGTAGATGAGTCTCCCACTTGTGAACTATCACTTGACATGGACCACCGATAGTCTGCAAT-3'
Protein context (NP_062539.1, residues 85-105): VIVHKWETHL[Gln95=]PRSITPLESE

ClinVar aggregate classification (germline): Likely benign (1 of 4 stars; one submission).

Allele frequency attached by ClinVar (database versions not stated): gnomAD 0.00002; gnomAD exomes 0.00002; ExAC 0.00003; TOPMed 0.00003; 1000 Genomes Project 30x 0.00016.
gnomAD v4.1: 32 of 1,591,134 alleles (0.002%); highest among the groups gnomAD compares: South Asian, 0.02%; 1 homozygote.

Submission:

CeGaT Center for Human Genetics Tuebingen
Classification: Likely benign. Last evaluated: 2022-08-01. Review status: criteria provided, single submitter. Criteria: CeGaT Center For Human Genetics Tuebingen Variant Classification Criteria Version 2. Collection method: clinical testing. Allele origin: germline. Affected: yes. Observed: 1 variant allele.
Comment: GPCPD1: BP4, BP7